The following is an entry in ClinVar:

NC_000009.11:g.(?_34645556)_(36277059_?)dup

Genes: ARHGEF39 (Rho guanine nucleotide exchange factor 39; minus strand), STOML2 (stomatin like 2; minus strand), GBA2 (glucosylceramidase beta 2; minus strand), GNE (glucosamine (UDP-N-acetyl)-2-epimerase/N-acetylmannosamine kinase; minus strand), CCL27 (C-C motif chemokine ligand 27; minus strand) and 135 more. Cytogenetic location: 9p13.3.
Variant type: Duplication.
Identifiers: ClinVar variation 583788 (VCV000583788.2).

ClinVar aggregate classification (germline): Uncertain significance (1 of 4 stars; one submission).

Conditions:
Anauxetic dysplasia. Identifiers: Orphanet 93347, MedGen C1846796, MONDO:0011773.

Submission:

Labcorp Genetics (formerly Invitae), Labcorp
Classification: Uncertain significance for Anauxetic dysplasia. Last evaluated: 2019-11-15. Review status: criteria provided, single submitter. Criteria: Invitae Variant Classification Sherloc (09022015). Collection method: clinical testing. Allele origin: germline.
Comment: This variant results in a copy number gain of the genomic region encompassing the full coding sequence of the RMRP gene. The boundaries of this event are unknown as they extend beyond the assayed region for this gene and therefore may encompass additional genes. As the precise location of this event is unknown, it may be in tandem or it may be located elsewhere in the genome. This variant has not been reported in the literature in individuals with RMRP-related conditions. In summary, the available evidence is currently insufficient to determine the role of this variant in disease. Therefore, it has been classified as a Variant of Uncertain Significance.